The following is an entry in ClinVar:

NM_001903.5(CTNNA1):c.1747+3_1747+5delinsTCCAACACT

Gene: CTNNA1 (catenin alpha 1; plus strand). Cytogenetic location: 5q31.2.
Variant type: Indel.
Coding change: c.1747+3_1747+5delinsTCCAACACT on transcript NM_001903.5 (MANE Select); bases 3 to 5 of the intron after coding-DNA position 1747, ACG replaced by TCCAACACT.
Molecular consequence: intron variant.
Genome position (GRCh38, 1-based): chr5:138,924,713-138,924,715, ACG replaced by TCCAACACT. VCF-style: chr5-138924713-ACG-TCCAACACT. GRCh37 (hg19) VCF-style: chr5-138260402-ACG-TCCAACACT.
Other names: c.1747+3_1747+5delinsTCCAACACT (NM_001323982.2, NM_001323984.2, NM_001290307.3 and 2 more transcripts); c.1654+3_1654+5delinsTCCAACACT (NM_001323986.2); c.1378+3_1378+5delinsTCCAACACT (NM_001290310.3); c.1438+3_1438+5delinsTCCAACACT (NM_001290309.3); c.637+3_637+5delinsTCCAACACT (NM_001323996.1, NM_001323993.1, NM_001324005.1 and 17 more transcripts); c.298+3_298+5delinsTCCAACACT (NM_001324007.1, NM_001324009.1, NM_001324006.1 and 2 more transcripts); c.394+3_394+5delinsTCCAACACT (NM_001324013.1, NM_001324012.1); c.544+3_544+5delinsTCCAACACT (NM_001324011.1).
Identifiers: ClinVar variation 5034987 (VCV005034987.1).

ClinVar aggregate classification (germline): Uncertain significance (1 of 4 stars; one submission).

Conditions:
Hereditary cancer-predisposing syndrome. Also called: Hereditary Cancer Syndrome; Neoplastic Syndromes, Hereditary; Tumor predisposition; Hereditary neoplastic syndrome. Identifiers: Orphanet 140162, MedGen C0027672, MeSH D009386, MONDO:0015356.

Submission:

Ambry Genetics
Classification: Uncertain significance for Hereditary cancer-predisposing syndrome. Last evaluated: 2026-07-31. Review status: criteria provided, single submitter. Criteria: Ambry Variant Classification Scheme 2023. Collection method: clinical testing. Allele origin: germline.
Comment: The c.1747+3_1747+5delACGinsTCCAACACT intronic variant begins 3 nucleotides after coding exon 11 in the CTNNA1 gene. This variant results from a deletion of 3 nucleotides and the insertion of 9 nucleotides at nucleotide positions between 1747+3 and 1747+5. These deleted nucleotides are not well conserved in available vertebrate species. In silico splice site analysis predicts that this alteration will result in the creation or strengthening of a novel splice donor site; however, direct evidence is insufficient at this time (Ambry internal data). Based on the available evidence, the clinical significance of this variant remains unclear.